The following is an entry in ClinVar:

NM_000310.4(PPT1):c.587G>A (p.Arg196His)

Gene: PPT1 (palmitoyl-protein thioesterase 1; minus strand). Cytogenetic location: 1p34.2.
Variant type: single nucleotide variant.
Coding change: c.587G>A on transcript NM_000310.4 (MANE Select); coding-DNA position 587, G replaced by A.
Protein change: p.Arg196His; replaces arginine 196 with histidine.
Molecular consequence: missense variant.
Genome position (GRCh38, 1-based): chr1:40,080,437, C>T on the plus strand (G>A on the coding strand, the complement: PPT1 is on the minus strand). VCF-style: chr1-40080437-C-T. GRCh37 (hg19) VCF-style: chr1-40546109-C-T.
Other names: c.278G>A, p.Arg93His (NM_001142604.2); c.587G>A, p.Arg196His (NM_001363695.2); short protein forms R196H, R93H.
Identifiers: ClinVar variation 575957 (VCV000575957.10), dbSNP rs939858453, ClinGen allele CA21007514.

ClinVar aggregate classification (germline): Uncertain significance. Review status: criteria provided, multiple submitters, no conflicts (2 of 4 stars). 3 submissions from 3 submitters: Uncertain significance (2). 1 of the submissions does not count toward it. Last evaluated 2025-11-03.

Conditions:
Inborn genetic diseases. Identifiers: MedGen C0950123, MeSH D030342.
Neuronal ceroid lipofuscinosis 1 (CLN1). Also called: PPT1-Related Neuronal Ceroid-Lipofuscinosis; CEROID LIPOFUSCINOSIS, NEURONAL, 1, VARIABLE AGE AT ONSET. Identifiers: Orphanet 228329, MedGen C1850451, MONDO:0009744, OMIM 256730.

Allele frequency attached by ClinVar (database versions not stated): gnomAD exomes below 0.00001; TOPMed 0.00001; gnomAD 0.00003.

Submissions (3):

Ambry Genetics
Classification: Uncertain significance for Inborn genetic diseases. Last evaluated: 2025-11-03. Review status: criteria provided, single submitter. Criteria: Ambry Variant Classification Scheme 2023. Collection method: clinical testing. Allele origin: germline.

Labcorp Genetics (formerly Invitae), Labcorp
Classification: Uncertain significance for Neuronal ceroid lipofuscinosis 1. Last evaluated: 2021-08-28. Review status: criteria provided, single submitter. Criteria: Invitae Variant Classification Sherloc (09022015). Collection method: clinical testing. Allele origin: germline.
Comment: This sequence change replaces arginine with histidine at codon 196 of the PPT1 protein (p.Arg196His). The arginine residue is moderately conserved and there is a small physicochemical difference between arginine and histidine. This variant is not present in population databases (ExAC no frequency). This variant has not been reported in the literature in individuals affected with PPT1-related conditions. Algorithms developed to predict the effect of missense changes on protein structure and function are either unavailable or do not agree on the potential impact of this missense change (SIFT: "Deleterious"; PolyPhen-2: "Possibly Damaging"; Align-GVGD: "Class C0"). In summary, the available evidence is currently insufficient to determine the role of this variant in disease. Therefore, it has been classified as a Variant of Uncertain Significance.

Natera, Inc.
Classification: Uncertain significance for Neuronal ceroid lipofuscinosis 1. Last evaluated: 2020-12-14. Review status: no assertion criteria provided. Collection method: clinical testing. Allele origin: germline. Not counted in ClinVar's aggregate classification.